The following is an entry in ClinVar:

ClinVar aggregate classification (germline): Uncertain significance. Review status: criteria provided, multiple submitters, no conflicts (2 of 4 stars). 2 submissions from 2 submitters: Uncertain significance (2). Last evaluated 2026-09-01.

Conditions:
Meckel-Gruber syndrome. Also called: DYSENCEPHALIA SPLANCHNOCYSTICA; GRUBER SYNDROME; Dysencephalia splachnocystica. Identifiers: Orphanet 564, MedGen C0265215, MONDO:0018921.
Joubert syndrome. Also called: Familial aplasia of the vermis; JOUBERT-BOLTSHAUSER SYNDROME. Identifiers: Orphanet 475, MedGen C5979921, MONDO:0018772.
TMEM67-related disorder. Also called: TMEM67-related condition; TMEM67-related disorders. Identifiers: MedGen CN239423.

Submissions (2):

PreventionGenetics, part of Exact Sciences
Classification: Uncertain significance for TMEM67-related condition. Last evaluated: 2026-09-01. Review status: criteria provided, single submitter. Criteria: ACMG Guidelines, 2015. Collection method: clinical testing. Allele origin: germline.
Comment: The TMEM67 c.125_130dup6 variant is predicted to result in an in-frame duplication (p.Pro42_Phe43dup). To our knowledge, this variant has not been reported in the literature or in a large population database (gnomAD), indicating this variant is rare. At this time, the clinical significance of this variant is uncertain due to the absence of conclusive functional and genetic evidence.

Labcorp Genetics (formerly Invitae), Labcorp
Classification: Uncertain significance for Joubert syndrome; Meckel-Gruber syndrome. Last evaluated: 2022-09-19. Review status: criteria provided, single submitter. Criteria: Invitae Variant Classification Sherloc (09022015). Collection method: clinical testing. Allele origin: germline.
Comment: This variant, c.125_130dup, results in the insertion of 2 amino acid(s) of the TMEM67 protein (p.Pro42_Phe43dup), but otherwise preserves the integrity of the reading frame. This variant is not present in population databases (gnomAD no frequency). This variant has not been reported in the literature in individuals affected with TMEM67-related conditions. ClinVar contains an entry for this variant (Variation ID: 363918). Algorithms developed to predict the effect of sequence changes on RNA splicing suggest that this variant may create or strengthen a splice site. In summary, the available evidence is currently insufficient to determine the role of this variant in disease. Therefore, it has been classified as a Variant of Uncertain Significance.

NM_153704.6(TMEM67):c.119CTTTCC[3] (p.Pro42_Phe43dup)

Gene: TMEM67 (transmembrane protein 67; plus strand). Cytogenetic location: 8q22.1.
Variant type: Microsatellite.
Coding change: c.119CTTTCC[3] on transcript NM_153704.6 (MANE Select); three copies in a row of the 6-base unit CTTTCC starting at c.119; the reference has two copies in a row; one copy, 6 bases duplicated.
Protein change: p.Pro42_Phe43dup.
Molecular consequence: inframe insertion. On other transcripts: 5 prime UTR variant (1), non-coding transcript variant (1).
Genome position (GRCh38, 1-based): chr8:93,755,039-93,755,044, CTTTCC duplicated; duplicating any 6 consecutive bases within chr8:93,755,033-93,755,044 gives the same sequence; the position shown is the placement nearest the transcript's 3' end. VCF-style (leftmost placement, unchanged base first): chr8-93755032-T-TCTTTCC. GRCh37 (hg19) VCF-style: chr8-94767260-T-TCTTTCC.
Other names: c.-166CTTTCC[3] (NM_001142301.1); c.125_130dup6 (NM_153704.5).
Identifiers: ClinVar variation 363918 (VCV000363918.8), dbSNP rs886063171, ClinGen allele CA10625895.